The following is an entry in ClinVar:

ClinVar aggregate classification (germline): Conflicting classifications of pathogenicity. Review status: criteria provided, conflicting classifications (1 of 4 stars). 4 submissions from 4 submitters: Uncertain significance (1); Likely benign (2). 1 of the submissions does not count toward it. Last evaluated 2026-01-19.

Conditions:
Kabuki syndrome 1 (KABUK1). Also called: KMT2D-Related Kabuki Syndrome. Identifiers: Orphanet 2322, MedGen CN030661, MONDO:0007843, OMIM 147920.
KMT2D-related disorder. Also called: KMT2D-Related Disorders.
Kabuki syndrome. Also called: NIIKAWA-KUROKI SYNDROME; Kabuki make-up syndrome. Identifiers: Orphanet 2322, MedGen C0796004, MONDO:0016512.

Allele frequency attached by ClinVar (database versions not stated): gnomAD 0.00002 and 0.00003.
gnomAD v4.1: 28 of 1,613,956 alleles (0.0017%); highest among the groups gnomAD compares: Admixed American, 0.042%; no homozygotes.

Submissions (4):

Labcorp Genetics (formerly Invitae), Labcorp
Classification: Likely benign for Kabuki syndrome. Last evaluated: 2026-01-19. Review status: criteria provided, single submitter. Criteria: Invitae Variant Classification Sherloc (09022015). Collection method: clinical testing. Allele origin: germline.

Center for Genomics, Ann and Robert H. Lurie Children's Hospital of Chicago
Classification: Uncertain significance for Kabuki syndrome 1. Last evaluated: 2021-03-15. Review status: criteria provided, single submitter. Criteria: ACMG Guidelines, 2015. Collection method: clinical testing. Allele origin: germline.
Comment: KMT2D NM_003482.3 exon 22 p.Ser1762Thr (c.5285G>C): This variant has not been reported in the literature but is present in 0.02% (3/15294) of Latino alleles in the Genome Aggregation Database. Evolutionary conservation and computational predictive tools for this variant are unclear. In summary, data on this variant is insufficient for disease classification. Therefore, the clinical significance of this variant is uncertain.

GeneDx
Classification: Likely benign. Last evaluated: 2020-11-24. Review status: criteria provided, single submitter. Criteria: GeneDx Variant Classification Process June 2021. Collection method: clinical testing. Allele origin: germline. Affected: yes.

PreventionGenetics, part of Exact Sciences
Classification: Likely benign for KMT2D-related condition. Last evaluated: 2022-07-13. Review status: no assertion criteria provided. Collection method: clinical testing. Allele origin: germline. Not counted in ClinVar's aggregate classification.
Comment: This variant is classified as likely benign based on ACMG/AMP sequence variant interpretation guidelines (Richards et al. 2015 PMID: 25741868, with internal and published modifications).

NM_003482.4(KMT2D):c.5285G>C (p.Ser1762Thr)

Gene: KMT2D (lysine methyltransferase 2D; minus strand). Cytogenetic location: 12q13.12.
Variant type: single nucleotide variant.
Coding change: c.5285G>C on transcript NM_003482.4 (MANE Select); coding-DNA position 5285, G replaced by C.
Protein change: p.Ser1762Thr; replaces serine 1762 with threonine.
Molecular consequence: missense variant.
Genome position (GRCh38, 1-based): chr12:49,043,902, C>G on the plus strand (G>C on the coding strand, the complement: KMT2D is on the minus strand). VCF-style: chr12-49043902-C-G. GRCh37 (hg19) VCF-style: chr12-49437685-C-G.
Other names: short protein forms S1762T.
Identifiers: ClinVar variation 1202888 (VCV001202888.13), dbSNP rs777604931, ClinGen allele CA6547579.
Genomic context (GRCh38, chr12:49,043,902, plus strand): 5'-CTCACTGCTTGGAGCCTGAGACCCACCTGCAAGTAAGCAGGGAACATGTCCTCCAGTTTG[C>G]TCTTCTTGCGCCCTCGCCGCTGTTGCTTCTTCTTCTCATCCCCTTCAGCTAAGCTCTGCT-3'
Protein context (NP_003473.3, residues 1752-1772): KKQQRRGRKK[Ser1762Thr]KLEDMFPAYL